The following is an entry in ClinVar:

ClinVar aggregate classification (germline): Uncertain significance. Review status: criteria provided, multiple submitters, no conflicts (2 of 4 stars). 2 submissions from 2 submitters: Uncertain significance (2). Last evaluated 2025-05-15.

Conditions:
Hereditary cancer-predisposing syndrome. Also called: Hereditary neoplastic syndrome; Tumor predisposition; Neoplastic Syndromes, Hereditary; Hereditary Cancer Syndrome. Identifiers: Orphanet 140162, MedGen C0027672, MeSH D009386, MONDO:0015356.
EGFR-related lung cancer (EGFR). Identifiers: MedGen CN130014.

Submissions (2):

Ambry Genetics
Classification: Uncertain significance for Hereditary cancer-predisposing syndrome. Last evaluated: 2025-05-15. Review status: criteria provided, single submitter. Criteria: Ambry Variant Classification Scheme 2023. Collection method: clinical testing. Allele origin: germline.
Comment: The p.W951C variant (also known as c.2853G>T), located in coding exon 24 of the EGFR gene, results from a G to T substitution at nucleotide position 2853. The tryptophan at codon 951 is replaced by cysteine, an amino acid with highly dissimilar properties. This amino acid position is conserved. In addition, this alteration is predicted to be deleterious by in silico analysis. Based on the available evidence, the clinical significance of this variant remains unclear.

Labcorp Genetics (formerly Invitae), Labcorp
Classification: Uncertain significance for EGFR-related lung cancer. Last evaluated: 2021-07-17. Review status: criteria provided, single submitter. Criteria: Invitae Variant Classification Sherloc (09022015). Collection method: clinical testing. Allele origin: germline.
Comment: This sequence change replaces tryptophan with cysteine at codon 951 of the EGFR protein (p.Trp951Cys). The tryptophan residue is highly conserved and there is a large physicochemical difference between tryptophan and cysteine. This variant is not present in population databases (ExAC no frequency). In summary, the available evidence is currently insufficient to determine the role of this variant in disease. Therefore, it has been classified as a Variant of Uncertain Significance. Algorithms developed to predict the effect of sequence changes on RNA splicing suggest that this variant may create or strengthen a splice site. Algorithms developed to predict the effect of missense changes on protein structure and function are either unavailable or do not agree on the potential impact of this missense change (SIFT: "Deleterious"; PolyPhen-2: "Probably Damaging"; Align-GVGD: "Class C0"). This variant has not been reported in the literature in individuals affected with EGFR-related conditions.

NM_005228.5(EGFR):c.2853G>T (p.Trp951Cys)

Gene: EGFR (epidermal growth factor receptor; plus strand). Cytogenetic location: 7p11.2.
Variant type: single nucleotide variant.
Coding change: c.2853G>T on transcript NM_005228.5 (MANE Select); coding-DNA position 2853, G replaced by T.
Protein change: p.Trp951Cys; replaces tryptophan 951 with cysteine.
Molecular consequence: missense variant.
Genome position (GRCh38, 1-based): chr7:55,200,320, G>T. VCF-style: chr7-55200320-G-T. GRCh37 (hg19) VCF-style: chr7-55268013-G-T.
Other names: c.2718G>T, p.Trp906Cys (NM_001346897.2, NM_001346899.2); c.2853G>T, p.Trp951Cys (NM_001346898.2); c.2694G>T, p.Trp898Cys (NM_001346900.2); c.2052G>T, p.Trp684Cys (NM_001346941.2); c.2853G>T (NM_005228.3); short protein forms W684C, W898C, W951C, W906C.
Identifiers: ClinVar variation 1505947 (VCV001505947.9), dbSNP rs2128969779, ClinGen allele CA367581677.
Genomic context (GRCh38, chr7:55,200,320, plus strand): 5'-CTTTATCATTTCTTCCAGTGTTCTAATTGCACTGTTTTTTCTCATTCCTTCCCCAGGCTG[G>T]ATGATAGACGCAGATAGTCGCCCAAAGTTCCGTGAGTTGATCATCGAATTCTCCAAAATG-3'
Protein context (NP_005219.2, residues 941-961): IDVYMIMVKC[Trp951Cys]MIDADSRPKF